The following is an entry in ClinVar:

NM_001164665.2(KIAA1549):c.4664C>T (p.Ser1555Leu)

Gene: KIAA1549 (KIAA1549; minus strand). Cytogenetic location: 7q34.
Variant type: single nucleotide variant.
Coding change: c.4664C>T on transcript NM_001164665.2 (MANE Select); coding-DNA position 4664, C replaced by T.
Protein change: p.Ser1555Leu; replaces serine 1555 with leucine.
Molecular consequence: missense variant.
Genome position (GRCh38, 1-based): chr7:138,869,649, G>A on the plus strand (C>T on the coding strand, the complement: KIAA1549 is on the minus strand). VCF-style: chr7-138869649-G-A. GRCh37 (hg19) VCF-style: chr7-138554395-G-A.
Other names: c.4664C>T, p.Ser1555Leu (NM_020910.3); c.4664C>T (NM_001164665.1); short protein forms S1555L.
Identifiers: ClinVar variation 1958517 (VCV001958517.3), dbSNP rs555628608, ClinGen allele CA4505803.
Genomic context (GRCh38, chr7:138,869,649, plus strand): 5'-ATCTTGTCGATCTGCATCTGTGCCCTGCGGTACACCCGGTGTCGCTCCTTAGTGTCGCCC[G>A]AGGACAGGTCGTCTACCACCGGGAACTCGTAGTGCCCGCGGCGCTTGGCGCGCAGGCGGA-3'
Protein context (NP_001158137.1, residues 1545-1565): YEFPVVDDLS[Ser1555Leu]GDTKERHRVY

ClinVar aggregate classification (germline): Uncertain significance. Review status: criteria provided, multiple submitters, no conflicts (2 of 4 stars). 2 submissions from 2 submitters: Uncertain significance (2). Last evaluated 2023-10-05.

Conditions:
Inborn genetic diseases. Identifiers: MedGen C0950123, MeSH D030342.

Allele frequency attached by ClinVar (database versions not stated): gnomAD exomes 0.00001; TOPMed 0.00001; ExAC 0.00003; 1000 Genomes Project 30x 0.00016; 1000 Genomes Project 0.00020.
gnomAD v4.1: 11 of 1,611,782 alleles (0.00068%); highest among the groups gnomAD compares: Admixed American, 0.0033%; no homozygotes.

Submissions (2):

Ambry Genetics
Classification: Uncertain significance for Inborn genetic diseases. Last evaluated: 2023-10-05. Review status: criteria provided, single submitter. Criteria: Ambry Variant Classification Scheme 2023. Collection method: clinical testing. Allele origin: germline.

Labcorp Genetics (formerly Invitae), Labcorp
Classification: Uncertain significance. Last evaluated: 2022-04-04. Review status: criteria provided, single submitter. Criteria: Invitae Variant Classification Sherloc (09022015). Collection method: clinical testing. Allele origin: germline.
Comment: This sequence change replaces serine, which is neutral and polar, with leucine, which is neutral and non-polar, at codon 1555 of the KIAA1549 protein (p.Ser1555Leu). This variant is present in population databases (rs555628608, gnomAD 0.006%). This variant has not been reported in the literature in individuals affected with KIAA1549-related conditions. Algorithms developed to predict the effect of missense changes on protein structure and function are either unavailable or do not agree on the potential impact of this missense change (SIFT: "Tolerated"; PolyPhen-2: "Probably Damaging"; Align-GVGD: "Class C0"). In summary, the available evidence is currently insufficient to determine the role of this variant in disease. Therefore, it has been classified as a Variant of Uncertain Significance.